The following is an entry in ClinVar:

NM_000048.4(ASL):c.496C>T (p.Pro166Ser)

Gene: ASL (argininosuccinate lyase; plus strand). Cytogenetic location: 7q11.21.
Variant type: single nucleotide variant.
Coding change: c.496C>T on transcript NM_000048.4 (MANE Select); coding-DNA position 496, C replaced by T.
Protein change: p.Pro166Ser; replaces proline 166 with serine.
Molecular consequence: missense variant.
Genome position (GRCh38, 1-based): chr7:66,086,634, C>T. VCF-style: chr7-66086634-C-T. GRCh37 (hg19) VCF-style: chr7-65551621-C-T.
Other names: c.496C>T, p.Pro166Ser (NM_001024943.2, NM_001024944.2, NM_001024946.2); short protein forms P166S.
Identifiers: ClinVar variation 1303073 (VCV001303073.3), dbSNP rs1246351622, ClinGen allele CA367642030.

ClinVar aggregate classification (germline): Uncertain significance. Review status: criteria provided, multiple submitters, no conflicts (2 of 4 stars). 2 submissions from 2 submitters: Uncertain significance (2). Last evaluated 2024-09-23.

Submissions (2):

Women's Health and Genetics/Laboratory Corporation of America, LabCorp
Classification: Uncertain significance. Last evaluated: 2024-09-23. Review status: criteria provided, single submitter. Criteria: LabCorp Variant Classification Summary - May 2015. Collection method: clinical testing. Allele origin: germline.
Comment: Variant summary: ASL c.496C>T (p.Pro166Ser) results in a non-conservative amino acid change located in the Fumarate lyase, N-terminal domain (IPR022761) of the encoded protein sequence. Five of five in-silico tools predict a damaging effect of the variant on protein function. The frequency data for this variant in gnomAD is considered unreliable, as metrics indicate poor data quality at this position. c.496C>T has been reported in the literature in the homozygous state in at least 1 individual with a positive newborn screening result suggestive of Argininosuccinic Aciduria (example, Imtiaz_2010). These report(s) do not provide unequivocal conclusions about association of the variant with Argininosuccinic Aciduria. To our knowledge, no experimental evidence demonstrating an impact on protein function has been reported. The following publication has been ascertained in the context of this evaluation (PMID: 20298553). ClinVar contains an entry for this variant (Variation ID: 1303073). Based on the evidence outlined above, the variant was classified as uncertain significance.

GeneDx
Classification: Uncertain significance. Last evaluated: 2021-03-17. Review status: criteria provided, single submitter. Criteria: GeneDx Variant Classification Process June 2021. Collection method: clinical testing. Allele origin: germline. Affected: yes.
Comment: In silico analysis supports that this missense variant has a deleterious effect on protein structure/function; This variant is associated with the following publications: (PMID: 20298553)

Literature cited by the submitters: PubMed 20298553 (cited by Women's Health and Genetics/Laboratory Corporation of America, LabCorp).